The following is an entry in ClinVar:

NM_000138.5(FBN1):c.162A>G (p.Lys54=)

Gene: FBN1 (fibrillin 1; minus strand). Cytogenetic location: 15q21.1.
Variant type: single nucleotide variant.
Coding change: c.162A>G on transcript NM_000138.5 (MANE Select); coding-DNA position 162, A replaced by G.
Protein change: p.Lys54=; no amino-acid change (lysine 54 retained).
Molecular consequence: synonymous variant.
Genome position (GRCh38, 1-based): chr15:48,644,608, T>C on the plus strand (A>G on the coding strand, the complement: FBN1 is on the minus strand). VCF-style: chr15-48644608-T-C. GRCh37 (hg19) VCF-style: chr15-48936805-T-C.
Identifiers: ClinVar variation 700370 (VCV000700370.22), dbSNP rs777116853, ClinGen allele CA045343.

ClinVar aggregate classification (germline): Conflicting classifications of pathogenicity. Review status: criteria provided, conflicting classifications (1 of 4 stars). 5 submissions from 5 submitters: Uncertain significance (1); Likely benign (4). Last evaluated 2025-08-14.

Conditions:
Familial thoracic aortic aneurysm and aortic dissection (TAAD). Also called: Thoracic aortic aneurysms and dissections. Identifiers: Orphanet 91387, MedGen C4707243, MONDO:0019625.
Marfan syndrome (MFS). Also called: Marfan syndrome type 1; Marfan's syndrome; Marfan syndrome, classic; FBN1-Related Marfan Syndrome; MARFAN SYNDROME, TYPE I. Identifiers: Orphanet 284963, Orphanet 558, MedGen C0024796, MONDO:0007947, OMIM 154700.

Allele frequency attached by ClinVar (database versions not stated): gnomAD exomes below 0.00001; ExAC 0.00001.
gnomAD v4.1: 1 of 1,614,120 alleles (0.000062%); no homozygotes.

Submissions (5):

Color Diagnostics, LLC DBA Color Health
Classification: Likely benign for Familial thoracic aortic aneurysm and aortic dissection. Last evaluated: 2025-08-14. Review status: criteria provided, single submitter. Criteria: ACMG Guidelines, 2015. Collection method: clinical testing. Allele origin: germline.

Ambry Genetics
Classification: Likely benign for Familial thoracic aortic aneurysm and aortic dissection. Last evaluated: 2025-05-05. Review status: criteria provided, single submitter. Criteria: Ambry Variant Classification Scheme 2023. Collection method: clinical testing. Allele origin: germline.

CeGaT Center for Human Genetics Tuebingen
Classification: Likely benign. Last evaluated: 2024-10-01. Review status: criteria provided, single submitter. Criteria: CeGaT Center For Human Genetics Tuebingen Variant Classification Criteria Version 2. Collection method: clinical testing. Allele origin: germline. Affected: yes. Observed: 1 variant allele.
Comment: FBN1: BP4, BP7

All of Us Research Program, National Institutes of Health
Classification: Uncertain significance for Marfan syndrome. Last evaluated: 2023-10-02. Review status: criteria provided, single submitter. Criteria: ACMG Guidelines, 2015. Collection method: clinical testing. Allele origin: germline. Inheritance: Autosomal dominant inheritance. Observed: 1 variant allele, 1 heterozygote.
Comment: This synonymous variant does not change the amino acid sequence of the FBN1 protein. Splice site prediction tools and conservation analysis are inconclusive regarding the impact of this variant on RNA splicing. To our knowledge, functional studies have not been performed for this variant. This variant has not been reported in individuals affected with cardiovascular disorders in the literature. This variant has been identified in 1/251392 chromosomes in the general population by the Genome Aggregation Database (gnomAD). The available evidence is insufficient to determine the role of this variant in disease conclusively. Therefore, this variant is classified as a Variant of Uncertain Significance.

This study involves interpretation of variants in research participants for the purpose of population health screening. Participant phenotype was not available at the time of variant classification. Additional details can be found in publication PMID: 35346344, PMCID: PMC8962531

Labcorp Genetics (formerly Invitae), Labcorp
Classification: Likely benign. Last evaluated: 2018-06-28. Review status: criteria provided, single submitter. Criteria: Invitae Variant Classification Sherloc (09022015). Collection method: clinical testing. Allele origin: germline.